The following is an entry in ClinVar:

NM_002294.3(LAMP2):c.-4G>C

Gene: LAMP2 (lysosome associated membrane protein 2; minus strand). Cytogenetic location: Xq24.
Variant type: single nucleotide variant.
Coding change: c.-4G>C on transcript NM_002294.3 (MANE Select); 4 bases upstream of the start codon, G replaced by C.
Molecular consequence: 5 prime UTR variant.
Genome position (GRCh38, 1-based): chrX:120,469,173, C>G on the plus strand (G>C on the coding strand, the complement: LAMP2 is on the minus strand). VCF-style: chrX-120469173-C-G. GRCh37 (hg19) VCF-style: chrX-119603028-C-G.
Other names: c.-4G>C (NM_001122606.1, NM_013995.2).
Identifiers: ClinVar variation 44415 (VCV000044415.51), dbSNP rs200297370, ClinGen allele CA134063.

ClinVar aggregate classification (germline): Conflicting classifications of pathogenicity. Review status: criteria provided, conflicting classifications (1 of 4 stars). 10 submissions from 10 submitters: Uncertain significance (1); Benign (4); Likely benign (3). 2 of the submissions do not count toward it. Last evaluated 2026-01-26.

Conditions:
LAMP2-related disorder. Also called: LAMP2-related condition.
Cardiovascular phenotype. Identifiers: MedGen CN230736.
Danon disease. Also called: Glycogen Storage Disease Type IIb; PSEUDOGLYCOGENOSIS II; GSD IIb; LYSOSOMAL GLYCOGEN STORAGE DISEASE WITHOUT ACID MALTASE DEFICIENCY; ANTOPOL DISEASE. Identifiers: Orphanet 34587, MedGen C0878677, MONDO:0010281, OMIM 300257.

Allele frequency attached by ClinVar (database versions not stated): ESP Exome Variant Server 0.00009; TOPMed 0.00018.
gnomAD v4.1: 228 of 1,210,408 alleles (0.019%); highest among the groups gnomAD compares: Non-Finnish European, 0.016%; no homozygotes.

Submissions (10):

Women's Health and Genetics/Laboratory Corporation of America, LabCorp
Classification: Benign. Last evaluated: 2026-01-26. Review status: criteria provided, single submitter. Criteria: LabCorp Variant Classification Summary - May 2015. Collection method: clinical testing. Allele origin: germline.

CeGaT Center for Human Genetics Tuebingen
Classification: Likely benign. Last evaluated: 2025-10-01. Review status: criteria provided, single submitter. Criteria: CeGaT Center For Human Genetics Tuebingen Variant Classification Criteria Version 2. Collection method: clinical testing. Allele origin: germline. Affected: yes. Observed: 2 variant alleles.
Comment: LAMP2: BP4, BS2

PreventionGenetics, part of Exact Sciences
Classification: Likely benign for LAMP2-related condition. Last evaluated: 2025-09-08. Review status: criteria provided, single submitter. Criteria: ACMG Guidelines, 2015. Collection method: clinical testing. Allele origin: germline.
Comment: This variant is classified as likely benign based on ACMG/AMP sequence variant interpretation guidelines (Richards et al. 2015 PMID: 25741868, with internal and published modifications).

Blueprint Genetics
Classification: Likely benign. Last evaluated: 2024-11-14. Review status: criteria provided, single submitter. Criteria: ACMG Guidelines, 2015. Collection method: clinical testing. Allele origin: germline.

Illumina Laboratory Services, Illumina
Classification: Benign for Danon disease. Last evaluated: 2018-01-13. Review status: criteria provided, single submitter. Criteria: ICSL Variant Classification Criteria 13 December 2019. Collection method: clinical testing. Allele origin: germline.
Comment: This variant was observed in the ICSL laboratory as part of a predisposition screen in an ostensibly healthy population. It had not been previously curated by ICSL or reported in the Human Gene Mutation Database (HGMD: prior to June 1st, 2018), and was therefore a candidate for classification through an automated scoring system. Utilizing variant allele frequency, disease prevalence and penetrance estimates, and inheritance mode, an automated score was calculated to assess if this variant is too frequent to cause the disease. Based on the score and internal cut-off values, a variant classified as benign is not then subjected to further curation. The score for this variant resulted in a classification of benign for this disease.

Ambry Genetics
Classification: Benign for Cardiovascular phenotype. Last evaluated: 2017-04-13. Review status: criteria provided, single submitter. Criteria: Ambry Variant Classification Scheme 2023. Collection method: clinical testing. Allele origin: germline.

GeneDx
Classification: Benign. Last evaluated: 2013-07-30. Review status: criteria provided, single submitter. Criteria: GeneDx Variant Classification (06012015). Collection method: clinical testing. Allele origin: germline. Affected: yes.
Comment: This variant is considered likely benign or benign based on one or more of the following criteria: it is a conservative change, it occurs at a poorly conserved position in the protein, it is predicted to be benign by multiple in silico algorithms, and/or has population frequency not consistent with disease.

Laboratory for Molecular Medicine, Mass General Brigham Personalized Medicine
Classification: Uncertain significance. Last evaluated: 2012-10-16. Review status: criteria provided, single submitter. Criteria: LMM Criteria. Collection method: clinical testing. Allele origin: germline. Observed: 1 variant allele.
Comment: The -4G>C variant in LAMP2 has not been reported in the literature nor previousl y identified by our laboratory. This variant has been identified in 1/6723 Europ ean American chromosomes from a broad population by the NHLBI Exome Sequencing P roject (dbSNP rs200297370). This variant is l ocated in the 5' UTR of the LAMP2 gene. Although this region can contain regulat ory elements, there is no obvious predicted effect of this variant and there are no other pathogenic variants that have been reported in the 5'UTR region of the LAMP2 gene. In summary, additional information is needed to fully assess the cl inical significance of the -4G>C variant.

Clinical Genetics, Academic Medical Center
Classification: Benign. Review status: no assertion criteria provided. Collection method: clinical testing. Allele origin: germline. Affected: yes. Study: VKGL Data-share Consensus. Not counted in ClinVar's aggregate classification.

Diagnostic Laboratory, Department of Genetics, University Medical Center Groningen
Classification: Likely benign. Review status: no assertion criteria provided. Collection method: clinical testing. Allele origin: germline. Affected: yes. Study: VKGL Data-share Consensus. Not counted in ClinVar's aggregate classification.